The following is an entry in ClinVar:

NM_001271.4(CHD2):c.3365G>A (p.Ser1122Asn)

Gene: CHD2 (chromodomain helicase DNA binding protein 2; plus strand). Cytogenetic location: 15q26.1.
Variant type: single nucleotide variant.
Coding change: c.3365G>A on transcript NM_001271.4 (MANE Select); coding-DNA position 3365, G replaced by A.
Protein change: p.Ser1122Asn; replaces serine 1122 with asparagine.
Molecular consequence: missense variant.
Genome position (GRCh38, 1-based): chr15:92,985,625, G>A. VCF-style: chr15-92985625-G-A. GRCh37 (hg19) VCF-style: chr15-93528855-G-A.
Other names: short protein forms S1122N.
Identifiers: ClinVar variation 420916 (VCV000420916.2), dbSNP rs1064794790, ClinGen allele CA16620052.
Genomic context (GRCh38, chr15:92,985,625, plus strand): 5'-AGAGTGAAACGGAAGACTCTGATGATGACAAGAAGCCAAAGCGCAGAGGGCGTCCGAGGA[G>A]TGTGCGGAAGGACCTCGTGGAGGGATTTACTGATGCAGAGATCCGAAGGTTGGTGGAGGC-3'
Protein context (NP_001262.3, residues 1112-1132): KKPKRRGRPR[Ser1122Asn]VRKDLVEGFT

ClinVar aggregate classification (germline): Uncertain significance (1 of 4 stars; one submission).

Submission:

GeneDx
Classification: Uncertain significance. Last evaluated: 2016-04-21. Review status: criteria provided, single submitter. Criteria: GeneDx Variant Classification (06012015). Collection method: clinical testing. Allele origin: germline. Affected: yes.
Comment: A variant of uncertain significance has been identified in the CHD2 gene. The S1122N variant has not been published as a pathogenic variant, nor has it been reported as a benign variant to our knowledge. It was not observed in approximately 6,500 individuals of European and African American ancestry in the NHLBI Exome Sequencing Project, indicating it is not a common benign variant in these populations. This substitution occurs at a position that is conserved in mammals. However, the S1122N variant is a conservative amino acid substitution, which is not likely to impact secondary protein structure as these residues share similar properties. In silico analysis is inconsistent in its predictions as to whether or not the variant is damaging to the protein structure/function. Therefore, based on the currently available information, it is unclear whether this variant is a pathogenic variant or a rare benign variant.